The following is an entry in ClinVar:

NM_001033855.3(DCLRE1C):c.1628_1632del (p.Ile543fs)

Gene: DCLRE1C (DNA cross-link repair 1C; minus strand). Cytogenetic location: 10p13.
Variant type: Deletion.
Coding change: c.1628_1632del on transcript NM_001033855.3 (MANE Select); coding-DNA positions 1628 to 1632, 5 bases deleted (TAACA; older notation c.1628_1632delTAACA).
Protein change: p.Ile543fs; shifts the reading frame from isoleucine 543.
Molecular consequence: frameshift variant. On other transcripts: non-coding transcript variant (4).
Genome position (GRCh38, 1-based): chr10:14,908,855-14,908,859, TGTTA deleted on the plus strand (TAACA on the coding strand, the reverse complement: DCLRE1C is on the minus strand); deleting any 5 consecutive bases within chr10:14,908,855-14,908,862 gives the same sequence; the c. name uses the placement nearest the transcript's 3' end. VCF-style (leftmost placement, unchanged base first): chr10-14908854-CTGTTA-C. GRCh37 (hg19) VCF-style: chr10-14950853-CTGTTA-C.
Other names: c.1268_1272del, p.Ile423fs (NM_001033857.3, NM_001033858.3, NM_001289077.2 and 2 more transcripts); c.1283_1287del, p.Ile428fs (NM_001289076.2, NM_001289078.2, NM_001350966.2 and 1 more transcripts); c.1628_1632del, p.Ile543fs (NM_001350965.2); short protein forms I423fs, I428fs, I543fs.
Identifiers: ClinVar variation 1324212 (VCV001324212.14), dbSNP rs767758218, ClinGen allele CA5416443.

ClinVar aggregate classification (germline): Pathogenic/Likely pathogenic. Review status: criteria provided, multiple submitters, no conflicts (2 of 4 stars). 3 submissions from 3 submitters: Pathogenic (1); Likely pathogenic (2). Last evaluated 2025-10-24.

Conditions:
Histiocytic medullary reticulosis. Also called: SEVERE COMBINED IMMUNODEFICIENCY WITH HYPEREOSINOPHILIA; Omenn syndrome. Identifiers: Orphanet 39041, MedGen C2700553, MONDO:0011338, OMIM 603554.
Severe combined immunodeficiency due to DCLRE1C deficiency (RS-SCID). Also called: SCID, AUTOSOMAL RECESSIVE, T CELL-NEGATIVE, B CELL-NEGATIVE, NK CELL-POSITIVE, WITH SENSITIVITY TO IONIZING RADIATION. Identifiers: Orphanet 275, MedGen C1865371, MONDO:0011225, OMIM 602450.

Submissions (3):

Labcorp Genetics (formerly Invitae), Labcorp
Classification: Pathogenic for Athabaskan severe combined immunodeficiency. Last evaluated: 2025-10-24. Review status: criteria provided, single submitter. Criteria: Invitae Variant Classification Sherloc (09022015). Collection method: clinical testing. Allele origin: germline.
Comment: This sequence change creates a premature translational stop signal (p.Ile543Argfs*12) in the DCLRE1C gene. While this is not anticipated to result in nonsense mediated decay, it is expected to disrupt the last 150 amino acid(s) of the DCLRE1C protein. This variant is present in population databases (rs767758218, gnomAD 0.006%). This variant has not been reported in the literature in individuals affected with DCLRE1C-related conditions. ClinVar contains an entry for this variant (Variation ID: 1324212). This variant disrupts a region of the DCLRE1C protein in which other variant(s) (p.Thr557Asnfs*21) have been determined to be pathogenic (PMID: 26476407). This suggests that this is a clinically significant region of the protein, and that variants that disrupt it are likely to be disease-causing. For these reasons, this variant has been classified as Pathogenic.

Baylor Genetics
Classification: Likely pathogenic for Histiocytic medullary reticulosis. Last evaluated: 2024-02-09. Review status: criteria provided, single submitter. Criteria: ACMG Guidelines, 2015. Collection method: clinical testing. Allele origin: unknown.

Revvity Omics, Revvity
Classification: Likely pathogenic. Last evaluated: 2021-10-07. Review status: criteria provided, single submitter. Criteria: ACMG Guidelines, 2015. Collection method: clinical testing. Allele origin: germline.

Literature cited by the submitters: PubMed 26476407 (cited by Labcorp Genetics (formerly Invitae), Labcorp).